The following is an entry in ClinVar:

ClinVar aggregate classification (germline): Uncertain significance (1 of 4 stars; one submission).

Conditions:
Familial adenomatous polyposis 1 (FAP1). Also called: FAMILIAL ADENOMATOUS POLYPOSIS 1, ATTENUATED; POLYPOSIS, ADENOMATOUS INTESTINAL. Identifiers: MedGen C2713442, MONDO:0021056, OMIM 175100. Disease mechanism: loss of function.

Submission:

Labcorp Genetics (formerly Invitae), Labcorp
Classification: Uncertain significance for Familial adenomatous polyposis 1. Last evaluated: 2021-05-01. Review status: criteria provided, single submitter. Criteria: Invitae Variant Classification Sherloc (09022015). Collection method: clinical testing. Allele origin: germline.
Comment: Algorithms developed to predict the effect of sequence changes on RNA splicing suggest that this variant may create or strengthen a splice site, but this prediction has not been confirmed by published transcriptional studies. Algorithms developed to predict the effect of missense changes on protein structure and function (SIFT, PolyPhen-2, Align-GVGD) all suggest that this variant is likely to be disruptive, but these predictions have not been confirmed by published functional studies and their clinical significance is uncertain. This variant has not been reported in the literature in individuals with APC-related conditions. This variant is not present in population databases (ExAC no frequency). This sequence change replaces aspartic acid with tyrosine at codon 1748 of the APC protein (p.Asp1748Tyr). The aspartic acid residue is highly conserved and there is a large physicochemical difference between aspartic acid and tyrosine. In summary, the available evidence is currently insufficient to determine the role of this variant in disease. Therefore, it has been classified as a Variant of Uncertain Significance.

NM_000038.6(APC):c.5242G>T (p.Asp1748Tyr)

Gene: APC (APC regulator of Wnt signaling pathway; plus strand). Cytogenetic location: 5q22.2.
Variant type: single nucleotide variant.
Coding change: c.5242G>T on transcript NM_000038.6 (MANE Select); coding-DNA position 5242, G replaced by T.
Protein change: p.Asp1748Tyr; replaces aspartic acid 1748 with tyrosine.
Molecular consequence: missense variant.
Genome position (GRCh38, 1-based): chr5:112,840,836, G>T. VCF-style: chr5-112840836-G-T. GRCh37 (hg19) VCF-style: chr5-112176533-G-T.
Other names: c.5242G>T, p.Asp1748Tyr (NM_001127510.3, NM_001354895.2); c.5188G>T, p.Asp1730Tyr (NM_001127511.3); c.5296G>T, p.Asp1766Tyr (NM_001354896.2); c.5272G>T, p.Asp1758Tyr (NM_001354897.2); c.5167G>T, p.Asp1723Tyr (NM_001354898.2); c.5158G>T, p.Asp1720Tyr (NM_001354899.2); c.5119G>T, p.Asp1707Tyr (NM_001354900.2); c.5065G>T, p.Asp1689Tyr (NM_001354901.2); and 5 more; short protein forms D1622Y, D1465Y, D1647Y, D1707Y, D1758Y, D1657Y, D1720Y, D1723Y.
Identifiers: ClinVar variation 1392373 (VCV001392373.8), dbSNP rs2149935550, ClinGen allele CA16032793.
Genomic context (GRCh38, chr5:112,840,836, plus strand): 5'-ATTAATTCTGCTATGCCCAAAGGGAAAAGTCACAAGCCTTTCCGTGTGAAAAAGATAATG[G>T]ACCAGGTCCAGCAAGCATCTGCGTCTTCTTCTGCACCCAACAAAAATCAGTTAGATGGTA-3'
Protein context (NP_000029.2, residues 1738-1758): HKPFRVKKIM[Asp1748Tyr]QVQQASASSS